The following is an entry in ClinVar:

NM_000179.3(MSH6):c.3071G>T (p.Arg1024Leu)

Gene: MSH6 (mutS homolog 6; plus strand). Cytogenetic location: 2p16.3.
Variant type: single nucleotide variant.
Coding change: c.3071G>T on transcript NM_000179.3 (MANE Select); coding-DNA position 3071, G replaced by T.
Protein change: p.Arg1024Leu; replaces arginine 1024 with leucine.
Molecular consequence: missense variant.
Genome position (GRCh38, 1-based): chr2:47,801,054, G>T. VCF-style: chr2-47801054-G-T. GRCh37 (hg19) VCF-style: chr2-48028193-G-T.
Other names: c.2681G>T, p.Arg894Leu (NM_001281492.2); c.2165G>T, p.Arg722Leu (NM_001281493.2, NM_001281494.2); short protein forms R1024L, R894L, R722L.
Identifiers: ClinVar variation 822800 (VCV000822800.4), dbSNP rs372705506, ClinGen allele CA346756545.

ClinVar aggregate classification (germline): Uncertain significance (1 of 4 stars; one submission).

Conditions:
Hereditary cancer-predisposing syndrome. Also called: Tumor predisposition; Hereditary Cancer Syndrome; Neoplastic Syndromes, Hereditary; Hereditary neoplastic syndrome. Identifiers: Orphanet 140162, MedGen C0027672, MeSH D009386, MONDO:0015356.

Submission:

Ambry Genetics
Classification: Uncertain significance for Hereditary cancer-predisposing syndrome. Last evaluated: 2022-04-25. Review status: criteria provided, single submitter. Criteria: Ambry Variant Classification Scheme 2023. Collection method: clinical testing. Allele origin: germline.
Comment: The p.R1024L variant (also known as c.3071G>T), located in coding exon 4 of the MSH6 gene, results from a G to T substitution at nucleotide position 3071. The arginine at codon 1024 is replaced by leucine, an amino acid with dissimilar properties. This amino acid position is well conserved in available vertebrate species. In addition, this alteration is predicted to be deleterious by in silico analysis. Since supporting evidence is limited at this time, the clinical significance of this alteration remains unclear.